The following is an entry in ClinVar:

NM_020975.6(RET):c.1658G>A (p.Arg553Lys)

Gene: RET (ret proto-oncogene; plus strand). Cytogenetic location: 10q11.21.
Variant type: single nucleotide variant.
Coding change: c.1658G>A on transcript NM_020975.6 (MANE Select); coding-DNA position 1658, G replaced by A.
Protein change: p.Arg553Lys; replaces arginine 553 with lysine.
Molecular consequence: missense variant.
Genome position (GRCh38, 1-based): chr10:43,112,862, G>A. VCF-style: chr10-43112862-G-A. GRCh37 (hg19) VCF-style: chr10-43608310-G-A.
Other names: c.1658G>A, p.Arg553Lys (NM_000323.2, NM_001406743.1, NM_001406744.1 and 6 more transcripts); c.896G>A, p.Arg299Lys (NM_001355216.2); c.1529G>A, p.Arg510Lys (NM_001406761.1, NM_001406762.1, NM_001406764.1 and 1 more transcripts); c.1370G>A, p.Arg457Lys (NM_001406766.1, NM_001406767.1, NM_001406770.1); c.1262G>A, p.Arg421Lys (NM_001406769.1, NM_001406772.1); c.1220G>A, p.Arg407Lys (NM_001406771.1, NM_001406773.1); c.1133G>A, p.Arg378Lys (NM_001406774.1); c.932G>A, p.Arg311Lys (NM_001406775.1, NM_001406776.1, NM_001406777.1 and 1 more transcripts); and 5 more; short protein forms R553K, R299K, R421K, R510K, R211K, R254K, R70K, R158K.
Identifiers: ClinVar variation 962053 (VCV000962053.11), dbSNP rs1837971610, ClinGen allele CA376551767.

ClinVar aggregate classification (germline): Uncertain significance (1 of 4 stars; one submission).

Conditions:
Multiple endocrine neoplasia, type 2 (MEN2). Identifiers: Orphanet 653, MedGen C4048306, MONDO:0019003. Disease mechanism: gain of function.

Submission:

Labcorp Genetics (formerly Invitae), Labcorp
Classification: Uncertain significance for Multiple endocrine neoplasia, type 2. Last evaluated: 2022-07-12. Review status: criteria provided, single submitter. Criteria: Invitae Variant Classification Sherloc (09022015). Collection method: clinical testing. Allele origin: germline.
Comment: In summary, the available evidence is currently insufficient to determine the role of this variant in disease. Therefore, it has been classified as a Variant of Uncertain Significance. Algorithms developed to predict the effect of missense changes on protein structure and function output the following: SIFT: "Tolerated"; PolyPhen-2: "Benign"; Align-GVGD: "Class C0". The lysine amino acid residue is found in multiple mammalian species, which suggests that this missense change does not adversely affect protein function. ClinVar contains an entry for this variant (Variation ID: 962053). This variant has not been reported in the literature in individuals affected with RET-related conditions. This variant is not present in population databases (gnomAD no frequency). This sequence change replaces arginine, which is basic and polar, with lysine, which is basic and polar, at codon 553 of the RET protein (p.Arg553Lys).